The following is an entry in ClinVar:

ClinVar aggregate classification (germline): Conflicting classifications of pathogenicity. Review status: criteria provided, conflicting classifications (1 of 4 stars). 5 submissions from 5 submitters: Uncertain significance (2); Likely benign (1). 2 of the submissions do not count toward it. Last evaluated 2025-08-14.

Conditions:
Intellectual disability. Also called: Intellectual functioning disability; Intellectual developmental disorder; intellectual disabilities. Identifiers: MedGen C3714756, MeSH D008607, MONDO:0001071, HP:0001249.
Rubinstein-Taybi syndrome (RSTS). Identifiers: Orphanet 783, MedGen C0035934, MONDO:0019188.
CREBBP-related disorder. Also called: CREBBP-related disorders; CREBBP-related condition.
Inborn genetic diseases. Identifiers: MedGen C0950123, MeSH D030342.

Submissions (5):

Labcorp Genetics (formerly Invitae), Labcorp
Classification: Uncertain significance for Rubinstein-Taybi syndrome. Last evaluated: 2025-08-14. Review status: criteria provided, single submitter. Criteria: Invitae Variant Classification Sherloc (09022015). Collection method: clinical testing. Allele origin: germline.
Comment: This variant, c.6624_6635del, results in the deletion of 4 amino acid(s) of the CREBBP protein (p.Gln2213_Gln2216del), but otherwise preserves the integrity of the reading frame. The frequency data for this variant in the population databases is considered unreliable, as metrics indicate poor data quality at this position in the gnomAD database. This variant has not been reported in the literature in individuals affected with CREBBP-related conditions. ClinVar contains an entry for this variant (Variation ID: 975522). Experimental studies and prediction algorithms are not available or were not evaluated, and the functional significance of this variant is currently unknown. In summary, the available evidence is currently insufficient to determine the role of this variant in disease. Therefore, it has been classified as a Variant of Uncertain Significance.

Revvity Omics, Revvity
Classification: Uncertain significance. Last evaluated: 2022-06-08. Review status: criteria provided, single submitter. Criteria: ACMG Guidelines, 2015. Collection method: clinical testing. Allele origin: germline.

Ambry Genetics
Classification: Likely benign for Inborn genetic diseases. Last evaluated: 2018-04-18. Review status: criteria provided, single submitter. Criteria: Ambry Variant Classification Scheme 2023. Collection method: clinical testing. Allele origin: germline.

PreventionGenetics, part of Exact Sciences
Classification: Likely benign for CREBBP-related condition. Last evaluated: 2021-07-16. Review status: no assertion criteria provided. Collection method: clinical testing. Allele origin: germline. Not counted in ClinVar's aggregate classification.
Comment: This variant is classified as likely benign based on ACMG/AMP sequence variant interpretation guidelines (Richards et al. 2015 PMID: 25741868, with internal and published modifications).

Centre de Biologie Pathologie Génétique, Centre Hospitalier Universitaire de Lille
Classification: Likely benign for Intellectual disability. Last evaluated: 2019-01-01. Review status: no assertion criteria provided. Collection method: clinical testing. Allele origin: inherited. Affected: yes. Not counted in ClinVar's aggregate classification.

NM_004380.3(CREBBP):c.6624_6635del (p.Gln2213_Gln2216del)

Gene: CREBBP (CREB binding lysine acetyltransferase; minus strand). Cytogenetic location: 16p13.3.
Variant type: Deletion.
Coding change: c.6624_6635del on transcript NM_004380.3 (MANE Select); coding-DNA positions 6624 to 6635, 12 bases deleted (ACAGCAGCAACA).
Protein change: p.Gln2213_Gln2216del.
Molecular consequence: inframe deletion.
Genome position (GRCh38, 1-based): chr16:3,728,412-3,728,423, TGTTGCTGCTGT deleted on the plus strand (ACAGCAGCAACA on the coding strand, the reverse complement: CREBBP is on the minus strand); deleting any 12 consecutive bases within chr16:3,728,412-3,728,434 gives the same sequence; the c. name uses the placement nearest the transcript's 3' end. VCF-style (leftmost placement, unchanged base first): chr16-3728411-CTGTTGCTGCTGT-C. GRCh37 (hg19) VCF-style: chr16-3778412-CTGTTGCTGCTGT-C.
Other names: c.6624_6635del12 (NM_004380.2); c.6510_6521del, p.Gln2175_Gln2178del (NM_001079846.1).
Identifiers: ClinVar variation 975522 (VCV000975522.13), dbSNP rs763108828, ClinGen allele CA7869046.